The following is an entry in ClinVar:

NM_001003800.2(BICD2):c.2297G>A (p.Arg766Gln)

Gene: BICD2 (BICD cargo adaptor 2; minus strand). Cytogenetic location: 9q22.31.
Variant type: single nucleotide variant.
Coding change: c.2297G>A on transcript NM_001003800.2 (MANE Select); coding-DNA position 2297, G replaced by A.
Protein change: p.Arg766Gln; replaces arginine 766 with glutamine.
Molecular consequence: missense variant.
Genome position (GRCh38, 1-based): chr9:92,715,425, C>T on the plus strand (G>A on the coding strand, the complement: BICD2 is on the minus strand). VCF-style: chr9-92715425-C-T. GRCh37 (hg19) VCF-style: chr9-95477707-C-T.
Other names: c.2297G>A, p.Arg766Gln (NM_015250.4); short protein forms R766Q.
Identifiers: ClinVar variation 648778 (VCV000648778.9), dbSNP rs1216459221, ClinGen allele CA374030645.
Genomic context (GRCh38, chr9:92,715,425, plus strand): 5'-ATGGCCATGCGCAGCAGCGAGTTCAGCGTCTTCTTCTCGTCCTCAGCAGCCGCCAGCTGC[C>T]GCTGCATCTCATCCAGCTGTGTAATGTACTCGTCACACCTGTGGGTACCAAAAACATGAC-3'
Protein context (NP_001003800.1, residues 756-776): EYITQLDEMQ[Arg766Gln]QLAAAEDEKK

ClinVar aggregate classification (germline): Uncertain significance (1 of 4 stars; one submission).

Conditions:
Autosomal dominant childhood-onset proximal spinal muscular atrophy with contractures (SMALED2A). Also called: SPINAL MUSCULAR ATROPHY, LOWER EXTREMITY-PREDOMINANT, 2A, CHILDHOOD ONSET, AUTOSOMAL DOMINANT; Spinal muscular atrophy, lower extremity-predominant, 2A, autosomal dominant. Identifiers: Orphanet 363447, Orphanet 363454, MedGen C4747715, MONDO:0014121, OMIM 615290.

Allele frequency attached by ClinVar (database versions not stated): gnomAD exomes below 0.00001; TOPMed below 0.00001.
gnomAD v4.1: 5 of 1,603,800 alleles (0.00031%); highest among the groups gnomAD compares: East Asian, 0.0022%; no homozygotes.

Submission:

Labcorp Genetics (formerly Invitae), Labcorp
Classification: Uncertain significance for Autosomal dominant childhood-onset proximal spinal muscular atrophy with contractures. Last evaluated: 2018-10-24. Review status: criteria provided, single submitter. Criteria: Invitae Variant Classification Sherloc (09022015). Collection method: clinical testing. Allele origin: germline.
Comment: In summary, the available evidence is currently insufficient to determine the role of this variant in disease. Therefore, it has been classified as a Variant of Uncertain Significance. Algorithms developed to predict the effect of missense changes on protein structure and function are either unavailable or do not agree on the potential impact of this missense change (SIFT: "Deleterious"; PolyPhen-2: "Probably Damaging"; Align-GVGD: "Class C0"). This variant has not been reported in the literature in individuals with BICD2-related disease. This variant is not present in population databases (ExAC no frequency). This sequence change replaces arginine with glutamine at codon 766 of the BICD2 protein (p.Arg766Gln). The arginine residue is highly conserved and there is a small physicochemical difference between arginine and glutamine.